The following is an entry in ClinVar:

ClinVar aggregate classification (germline): Likely benign. Review status: criteria provided, multiple submitters, no conflicts (2 of 4 stars). 4 submissions from 4 submitters: Likely benign (4). Last evaluated 2026-05-04.

Conditions:
SBF2-related disorder. Also called: SBF2-related condition.
Charcot-Marie-Tooth disease. Also called: Charcot-Marie-Tooth Hereditary Neuropathy; Charcot-Marie-Tooth Neuropathy. Identifiers: Orphanet 166, MedGen C0007959, MONDO:0015626.
Charcot-Marie-Tooth disease type 4. Also called: Charcot-Marie-Tooth disease, type IV; Charcot-Marie-Tooth, Type 4. Identifiers: Orphanet 64749, MedGen C4082197, MONDO:0018995.

Allele frequency attached by ClinVar (database versions not stated): gnomAD exomes 0.00004 and 0.00010; ESP Exome Variant Server 0.00008; ExAC 0.00010; gnomAD 0.00028 and 0.00029; TOPMed 0.00032; 1000 Genomes Project 0.00100; 1000 Genomes Project 30x 0.00125.
gnomAD v4.1: 99 of 1,603,154 alleles (0.0062%); highest among the groups gnomAD compares: African/African-American, 0.096%; no homozygotes.

Submissions (4):

Women's Health and Genetics/Laboratory Corporation of America, LabCorp
Classification: Likely benign. Last evaluated: 2026-05-04. Review status: criteria provided, single submitter. Criteria: LabCorp Variant Classification Summary - May 2015. Collection method: clinical testing. Allele origin: germline.

Labcorp Genetics (formerly Invitae), Labcorp
Classification: Likely benign for Charcot-Marie-Tooth disease type 4. Last evaluated: 2026-01-26. Review status: criteria provided, single submitter. Criteria: Invitae Variant Classification Sherloc (09022015). Collection method: clinical testing. Allele origin: germline.

PreventionGenetics, part of Exact Sciences
Classification: Likely benign for SBF2-related condition. Last evaluated: 2025-06-12. Review status: criteria provided, single submitter. Criteria: ACMG Guidelines, 2015. Collection method: clinical testing. Allele origin: germline.
Comment: This variant is classified as likely benign based on ACMG/AMP sequence variant interpretation guidelines (Richards et al. 2015 PMID: 25741868, with internal and published modifications).

Molecular Genetics Laboratory, London Health Sciences Centre
Classification: Likely benign for Charcot-Marie-Tooth disease. Review status: criteria provided, single submitter. Criteria: ACMG Guidelines, 2015. Collection method: clinical testing. Allele origin: germline. Affected: yes.

NM_030962.4(SBF2):c.1623G>A (p.Thr541=)

Gene: SBF2 (SET binding factor 2; minus strand). Cytogenetic location: 11p15.4.
Variant type: single nucleotide variant.
Coding change: c.1623G>A on transcript NM_030962.4 (MANE Select); coding-DNA position 1623, G replaced by A.
Protein change: p.Thr541=; no amino-acid change (threonine 541 retained).
Molecular consequence: synonymous variant.
Genome position (GRCh38, 1-based): chr11:9,963,860, C>T on the plus strand (G>A on the coding strand, the complement: SBF2 is on the minus strand). VCF-style: chr11-9963860-C-T. GRCh37 (hg19) VCF-style: chr11-9985407-C-T.
Other names: c.1623G>A, p.Thr541= (NM_001386339.1); c.1494G>A, p.Thr498= (NM_001386342.1).
Identifiers: ClinVar variation 695916 (VCV000695916.14), dbSNP rs184849947, ClinGen allele CA5881779.